The following is an entry in ClinVar:

NM_001080467.3(MYO5B):c.4424A>C (p.Glu1475Ala)

Genes: MYO5B (myosin VB; minus strand), SNHG22 (small nucleolar RNA host gene 22; plus strand). Cytogenetic location: 18q21.1.
Variant type: single nucleotide variant.
Coding change: c.4424A>C on transcript NM_001080467.3 (MANE Select); coding-DNA position 4424, A replaced by C.
Protein change: p.Glu1475Ala; replaces glutamic acid 1475 with alanine.
Molecular consequence: missense variant.
Genome position (GRCh38, 1-based): chr18:49,847,181, T>G on the plus strand (A>C on the coding strand, the complement: MYO5B is on the minus strand). VCF-style: chr18-49847181-T-G. GRCh37 (hg19) VCF-style: chr18-47373551-T-G.
Other names: short protein forms E1475A.
Identifiers: ClinVar variation 1974007 (VCV001974007.5), dbSNP rs2511240998, ClinGen allele CA402425962.

ClinVar aggregate classification (germline): Uncertain significance (1 of 4 stars; one submission).

Submission:

Labcorp Genetics (formerly Invitae), Labcorp
Classification: Uncertain significance. Last evaluated: 2022-07-06. Review status: criteria provided, single submitter. Criteria: Invitae Variant Classification Sherloc (09022015). Collection method: clinical testing. Allele origin: germline.
Comment: Algorithms developed to predict the effect of missense changes on protein structure and function are either unavailable or do not agree on the potential impact of this missense change (SIFT: "Deleterious"; PolyPhen-2: "Benign"; Align-GVGD: "Class C0"). This variant has not been reported in the literature in individuals affected with MYO5B-related conditions. This variant is not present in population databases (gnomAD no frequency). This sequence change replaces glutamic acid, which is acidic and polar, with alanine, which is neutral and non-polar, at codon 1475 of the MYO5B protein (p.Glu1475Ala). In summary, the available evidence is currently insufficient to determine the role of this variant in disease. Therefore, it has been classified as a Variant of Uncertain Significance.